The following is an entry in ClinVar:

NM_000540.3(RYR1):c.4322G>T (p.Gly1441Val)

Gene: RYR1 (ryanodine receptor 1; plus strand). Cytogenetic location: 19q13.2.
Variant type: single nucleotide variant.
Coding change: c.4322G>T on transcript NM_000540.3 (MANE Select); coding-DNA position 4322, G replaced by T.
Protein change: p.Gly1441Val; replaces glycine 1441 with valine.
Molecular consequence: missense variant.
Genome position (GRCh38, 1-based): chr19:38,477,738, G>T. VCF-style: chr19-38477738-G-T. GRCh37 (hg19) VCF-style: chr19-38968378-G-T.
Other names: c.4322G>T, p.Gly1441Val (NM_001042723.2); short protein forms G1441V.
Identifiers: ClinVar variation 889692 (VCV000889692.8), dbSNP rs1968805897, ClinGen allele CA405645724.
Genomic context (GRCh38, chr19:38,477,738, plus strand): 5'-CTGACCACTAGTTCCCCTCCTTGTGTCACCAGTACTATTACTCCGTGAGGGTCTTTGCTG[G>T]ACAGGAGCCCAGCTGCGTGTGGGCGGGCTGGGTCACCCCTGACTACCATCAGCACGACAT-3'
Protein context (NP_000531.2, residues 1431-1451): TYYYSVRVFA[Gly1441Val]QEPSCVWAGW

ClinVar aggregate classification (germline): Uncertain significance. Review status: criteria provided, multiple submitters, no conflicts (2 of 4 stars). 6 submissions from 4 submitters: Uncertain significance (6). Last evaluated 2025-01-21.

Conditions:
Malignant hyperthermia, susceptibility to, 1 (MHS1). Also called: Anesthesia related hyperthermia; Malignant hyperpyrexia; Fulminating hyperpyrexia; Pharmacogenic myopathy; RYR1-Related Malignant Hyperthermia Susceptibility; Malignant hyperthermia suceptibility 1. Identifiers: Orphanet 423, MedGen C2930980, MONDO:0007783, OMIM 145600.
Congenital multicore myopathy with external ophthalmoplegia (CMYO1B). Also called: MULTICORE MYOPATHY; Minicore myopathy with external ophthalmoplegia; Congenital myopathy 1B, autosomal recessive; Minicore myopathy; MULTIMINICORE DISEASE WITH EXTERNAL OPHTHALMOPLEGIA. Identifiers: Orphanet 598, Orphanet 98905, MedGen C1850674, MONDO:0009712, OMIM 255320, HP:0003789.
Central core myopathy (CMYO1A). Also called: CONGENITAL MYOPATHY 1A, AUTOSOMAL DOMINANT, WITH SUSCEPTIBILITY TO MALIGNANT HYPERTHERMIA; Central core disease; Myopathy, central fibrillar. Identifiers: Orphanet 597, MedGen C5830701, MONDO:0007294, OMIM 117000.

Allele frequency attached by ClinVar (database versions not stated): gnomAD exomes below 0.00001; TOPMed below 0.00001.
gnomAD v4.1: 1 of 1,614,158 alleles (0.000062%); highest among the groups gnomAD compares: Non-Finnish European, 0.000085%; no homozygotes.

Submissions (6):

GeneDx
Classification: Uncertain significance. Last evaluated: 2025-01-21. Review status: criteria provided, single submitter. Criteria: GeneDx Variant Classification Process June 2021. Collection method: clinical testing. Allele origin: germline. Affected: yes.
Comment: Not observed at significant frequency in large population cohorts (gnomAD); In silico analysis supports that this missense variant has a deleterious effect on protein structure/function; Has not been previously published as pathogenic or benign to our knowledge; In silico analysis suggests this variant may impact gene splicing. In the absence of RNA/functional studies, the actual effect of this sequence change is unknown.

All of Us Research Program, National Institutes of Health
Classification: Uncertain significance for Malignant hyperthermia, susceptibility to, 1. Last evaluated: 2024-07-20. Review status: criteria provided, single submitter. Criteria: ACMG Guidelines, 2015. Collection method: clinical testing. Allele origin: germline. Inheritance: Autosomal dominant inheritance. Observed: 2 variant alleles, 2 heterozygotes.
Comment: This missense variant replaces glycine with valine at codon 1441 of the RYR1 protein. Computational prediction suggests that this variant may have deleterious impact on protein structure and function (internally defined REVEL score threshold >= 0.7, PMID: 27666373). To our knowledge, functional studies have not been reported for this variant. This variant has not been reported in individuals affected with RYR1-related disorders in the literature. This variant has not been identified in the general population by the Genome Aggregation Database (gnomAD). The available evidence is insufficient to determine the role of this variant in disease conclusively. Therefore, this variant is classified as a Variant of Uncertain Significance.

This study involves interpretation of variants in research participants for the purpose of population health screening. Participant phenotype was not available at the time of variant classification. Additional details can be found in publication PMID: 35346344, PMCID: PMC8962531

Color Diagnostics, LLC DBA Color Health
Classification: Uncertain significance for Malignant hyperthermia, susceptibility to, 1. Last evaluated: 2024-07-10. Review status: criteria provided, single submitter. Criteria: ACMG Guidelines, 2015. Collection method: clinical testing. Allele origin: germline.
Comment: This missense variant replaces glycine with valine at codon 1441 of the RYR1 protein. Computational prediction suggests that this variant may have deleterious impact on protein structure and function. To our knowledge, functional studies have not been reported for this variant. This variant has not been reported in individuals affected with RYR1-related disorders in the literature. This variant has not been identified in the general population by the Genome Aggregation Database (gnomAD). The available evidence is insufficient to determine the role of this variant in disease conclusively. Therefore, this variant is classified as a Variant of Uncertain Significance.

Illumina Laboratory Services, Illumina
Classification: Uncertain significance for Central core myopathy. Last evaluated: 2018-01-12. Review status: criteria provided, single submitter. Criteria: ICSL Variant Classification Criteria 13 December 2019. Collection method: clinical testing. Allele origin: germline.

Illumina Laboratory Services, Illumina
Classification: Uncertain significance for Malignant hyperthermia, susceptibility to, 1. Last evaluated: 2018-01-12. Review status: criteria provided, single submitter. Criteria: ICSL Variant Classification Criteria 13 December 2019. Collection method: clinical testing. Allele origin: germline.

Illumina Laboratory Services, Illumina
Classification: Uncertain significance for Congenital multicore myopathy with external ophthalmoplegia. Last evaluated: 2018-01-12. Review status: criteria provided, single submitter. Criteria: ICSL Variant Classification Criteria 13 December 2019. Collection method: clinical testing. Allele origin: germline.